The following is an entry in ClinVar:

NM_014679.5(CEP57):c.1263C>A (p.Tyr421Ter)

Gene: CEP57 (centrosomal protein 57; plus strand). Cytogenetic location: 11q21.
Variant type: single nucleotide variant.
Coding change: c.1263C>A on transcript NM_014679.5 (MANE Select); coding-DNA position 1263, C replaced by A.
Protein change: p.Tyr421Ter; replaces tyrosine 421 with a stop codon.
Molecular consequence: nonsense.
Genome position (GRCh38, 1-based): chr11:95,829,322, C>A. VCF-style: chr11-95829322-C-A. GRCh37 (hg19) VCF-style: chr11-95562486-C-A.
Other names: c.1236C>A, p.Tyr412Ter (NM_001243776.2); c.1185C>A, p.Tyr395Ter (NM_001243777.2); c.1182C>A, p.Tyr394Ter (NM_001363604.2); short protein forms Y394*, Y395*, Y421*, Y412*.
Identifiers: ClinVar variation 2914030 (VCV002914030.4), dbSNP rs2496338364, ClinGen allele CA382408985.

ClinVar aggregate classification (germline): Uncertain significance. Review status: criteria provided, multiple submitters, no conflicts (2 of 4 stars). 2 submissions from 2 submitters: Uncertain significance (2). Last evaluated 2024-04-08.

Conditions:
Mosaic variegated aneuploidy syndrome 2 (MVA2). Identifiers: Orphanet 1052, MedGen C3279843, MONDO:0013582, OMIM 614114.

Submissions (2):

Fulgent Genetics
Classification: Uncertain significance for Mosaic variegated aneuploidy syndrome 2. Last evaluated: 2024-04-08. Review status: criteria provided, single submitter. Criteria: ACMG Guidelines, 2015. Collection method: clinical testing. Allele origin: germline.

Labcorp Genetics (formerly Invitae), Labcorp
Classification: Uncertain significance for Mosaic variegated aneuploidy syndrome 2. Last evaluated: 2023-05-12. Review status: criteria provided, single submitter. Criteria: Invitae Variant Classification Sherloc (09022015). Collection method: clinical testing. Allele origin: germline.
Comment: This sequence change creates a premature translational stop signal (p.Tyr421*) in the CEP57 gene. While this is not anticipated to result in nonsense mediated decay, it is expected to disrupt the last 80 amino acid(s) of the CEP57 protein. This variant is not present in population databases (gnomAD no frequency). In summary, the available evidence is currently insufficient to determine the role of this variant in disease. Therefore, it has been classified as a Variant of Uncertain Significance. Experimental studies and prediction algorithms are not available or were not evaluated, and the functional significance of this variant is currently unknown. This variant has not been reported in the literature in individuals affected with CEP57-related conditions.